The following is an entry in ClinVar:

NM_025114.4(CEP290):c.6130C>A (p.Pro2044Thr)

Gene: CEP290 (centrosomal protein 290; minus strand). Cytogenetic location: 12q21.32.
Variant type: single nucleotide variant.
Coding change: c.6130C>A on transcript NM_025114.4 (MANE Select); coding-DNA position 6130, C replaced by A.
Protein change: p.Pro2044Thr; replaces proline 2044 with threonine.
Molecular consequence: missense variant.
Genome position (GRCh38, 1-based): chr12:88,068,527, G>T on the plus strand (C>A on the coding strand, the complement: CEP290 is on the minus strand). VCF-style: chr12-88068527-G-T. GRCh37 (hg19) VCF-style: chr12-88462304-G-T.
Other names: short protein forms P2044T.
Identifiers: ClinVar variation 3350155 (VCV003350155.1).

ClinVar aggregate classification (germline): Uncertain significance (0 of 4 stars; one submission).

Conditions:
CEP290-related disorder. Also called: CEP290-related condition; CEP290-related disorders. Identifiers: MedGen CN239314.

gnomAD v4.1: 1 of 1,526,654 alleles (0.000066%); highest among the groups gnomAD compares: Non-Finnish European, 0.000088%; no homozygotes.

Submission:

PreventionGenetics, part of Exact Sciences
Classification: Uncertain significance for CEP290-related condition. Last evaluated: 2024-03-22. Review status: no assertion criteria provided. Collection method: clinical testing. Allele origin: germline.
Comment: The CEP290 c.6130C>A variant is predicted to result in the amino acid substitution p.Pro2044Thr. To our knowledge, this variant has not been reported in the literature or in a large population database, indicating this variant is rare. At this time, the clinical significance of this variant is uncertain due to the absence of conclusive functional and genetic evidence.